The following is an entry in ClinVar:

ClinVar aggregate classification (germline): Uncertain significance (1 of 4 stars; one submission).

Conditions:
Hypertrophic cardiomyopathy 15. Identifiers: MedGen C2750459, MONDO:0013200, OMIM 613255.

Allele frequency attached by ClinVar (database versions not stated): ExAC 0.00001; ESP Exome Variant Server 0.00008.
gnomAD v4.1: 8 of 1,614,050 alleles (0.0005%); highest among the groups gnomAD compares: South Asian, 0.0011%; no homozygotes.

Submission:

Agnes Ginges Centre for Molecular Cardiology, Centenary Institute
Classification: Uncertain significance for Hypertrophic cardiomyopathy 15. Last evaluated: 2018-10-16. Review status: criteria provided, single submitter. Criteria: ACMG Guidelines, 2015. Collection method: research. Allele origin: germline. Inheritance: Autosomal dominant inheritance. Affected: yes.
Comment: VCL Ser288Thr has not been previously reported but is present in population databases such as the Genome Aggregation Database (AF= 0.000004). In silico tools SIFT, MutationTaster and PolyPhen2 predict this variant to be a benign polymorphism. Based on this information we classify this as a variant of 'uncertain significance'.

NM_014000.3(VCL):c.863G>C (p.Ser288Thr)

Gene: VCL (vinculin; plus strand). Cytogenetic location: 10q22.2.
Variant type: single nucleotide variant.
Coding change: c.863G>C on transcript NM_014000.3 (MANE Select); coding-DNA position 863, G replaced by C.
Protein change: p.Ser288Thr; replaces serine 288 with threonine.
Molecular consequence: missense variant.
Genome position (GRCh38, 1-based): chr10:74,082,533, G>C. VCF-style: chr10-74082533-G-C. GRCh37 (hg19) VCF-style: chr10-75842291-G-C.
Other names: c.863G>C, p.Ser288Thr (NM_003373.4); short protein forms S288T.
Identifiers: ClinVar variation 870085 (VCV000870085.1), dbSNP rs138270989, ClinGen allele CA5562875.